The following is an entry in ClinVar:

ClinVar aggregate classification (germline): Pathogenic (1 of 4 stars; one submission).

Conditions:
Primary ciliary dyskinesia. Also called: Ciliary dyskinesia. Identifiers: Orphanet 244, MedGen C0008780, MONDO:0016575, HP:0012265.

Submission:

Labcorp Genetics (formerly Invitae), Labcorp
Classification: Pathogenic for Primary ciliary dyskinesia. Last evaluated: 2023-12-11. Review status: criteria provided, single submitter. Criteria: Invitae Variant Classification Sherloc (09022015). Collection method: clinical testing. Allele origin: germline.
Comment: This variant is a gross deletion of the genomic region encompassing exon(s) 6-14 of the CCDC114 gene, which includes the termination codon. This deletion extends beyond the assayed region for this gene and therefore may encompass additional genes. While this deletion is not anticipated to lead to nonsense mediated decay, it is expected to alter mRNA translation or result in a truncated protein product. This variant has not been reported in the literature in individuals affected with CCDC114-related conditions. This variant disrupts a region of the CCDC114 protein in which other variant(s) (p.Ala199Val) have been determined to be pathogenic (PMID: 30291279). This suggests that this is a clinically significant region of the protein, and that variants that disrupt it are likely to be disease-causing. For these reasons, this variant has been classified as Pathogenic.

Literature cited by the submitters: PubMed 30291279.

NC_000019.9:g.(?_48800233)_(48809600_?)del

Gene: ODAD1 (outer dynein arm docking complex subunit 1; minus strand). Cytogenetic location: 19q13.33.
Variant type: Deletion.
Identifiers: ClinVar variation 2427293 (VCV002427293.12).